The following is an entry in ClinVar:

NM_005475.3(SH2B3):c.1511C>A (p.Ser504Tyr)

Gene: SH2B3 (SH2B adaptor protein 3; plus strand). Cytogenetic location: 12q24.12.
Variant type: single nucleotide variant.
Coding change: c.1511C>A on transcript NM_005475.3 (MANE Select); coding-DNA position 1511, C replaced by A.
Protein change: p.Ser504Tyr; replaces serine 504 with tyrosine.
Molecular consequence: missense variant.
Genome position (GRCh38, 1-based): chr12:111,448,085, C>A. VCF-style: chr12-111448085-C-A. GRCh37 (hg19) VCF-style: chr12-111885889-C-A.
Other names: c.905C>A, p.Ser302Tyr (NM_001291424.1); short protein forms S302Y, S504Y.
Identifiers: ClinVar variation 3795215 (VCV003795215.1).

ClinVar aggregate classification (germline): Uncertain significance (1 of 4 stars; one submission).

Conditions:
Inborn genetic diseases. Identifiers: MedGen C0950123, MeSH D030342.

Submission:

Ambry Genetics
Classification: Uncertain significance for Inborn genetic diseases. Last evaluated: 2025-02-21. Review status: criteria provided, single submitter. Criteria: Ambry Variant Classification Scheme 2023. Collection method: clinical testing. Allele origin: germline.
Comment: The p.S504Y variant (also known as c.1511C>A), located in coding exon 7 of the SH2B3 gene, results from a C to A substitution at nucleotide position 1511. The serine at codon 504 is replaced by tyrosine, an amino acid with dissimilar properties. This amino acid position is conserved. In addition, this alteration is predicted to be tolerated by in silico analysis. Based on the available evidence, the clinical significance of this variant remains unclear.